The following is an entry in ClinVar:

ClinVar aggregate classification (germline): Benign. Review status: criteria provided, multiple submitters, no conflicts (2 of 4 stars). 8 submissions from 3 submitters: Benign (8). Last evaluated 2021-05-14.

Conditions:
Anophthalmia-microphthalmia syndrome. Also called: Anophthalmia/Microphthalmia; Anophthalmia - microphthalmia. Identifiers: Orphanet 98555, MedGen C5680330, MONDO:0020147.
11p partial monosomy syndrome (WAGR). Also called: WAGR Spectrum Disorder; WAGR syndrome; WAGR Complex; CHROMOSOME 11p13 DELETION SYNDROME. Identifiers: Orphanet 893, MedGen C0206115, MONDO:0008681, OMIM 194072.
Foveal hypoplasia 1. Also called: FOVEAL HYPOPLASIA 1 WITH OR WITHOUT ANTERIOR SEGMENT ANOMALIES AND/OR CATARACT; FOVEAL HYPOPLASIA 1 WITH ANTERIOR SEGMENT ANOMALIES. Identifiers: Orphanet 2253, MedGen C3805604, MONDO:0007628, OMIM 136520.
Aniridia 1 (AN1). Identifiers: Orphanet 250923, MedGen C0344542, MONDO:0024507, OMIM 106210.
Autosomal dominant keratitis. Also called: Keratitis, hereditary. Identifiers: Orphanet 2334, MedGen C1835698, MONDO:0007848, OMIM 148190.
carboxymethyl-dextran-A2-gadolinium-DOTA.

Allele frequency attached by ClinVar (database versions not stated): gnomAD 0.43569 and 0.42881; 1000 Genomes Project 0.44788; gnomAD exomes 0.47438; TOPMed 0.42431; 1000 Genomes Project 30x 0.44582.
gnomAD v4.1: 101,878 of 227,130 alleles (45%); highest among the groups gnomAD compares: South Asian, 58%; 23,511 homozygotes.

Submissions (8):

GeneDx
Classification: Benign. Last evaluated: 2021-05-14. Review status: criteria provided, single submitter. Criteria: GeneDx Variant Classification Process June 2021. Collection method: clinical testing. Allele origin: germline. Affected: yes.

Illumina Laboratory Services, Illumina
Classification: Benign for carboxymethyl-dextran-A2-gadolinium-DOTA. Last evaluated: 2018-01-13. Review status: criteria provided, single submitter. Criteria: ICSL Variant Classification Criteria 13 December 2019. Collection method: clinical testing. Allele origin: germline.
Comment: This variant was observed in the ICSL laboratory as part of a predisposition screen in an ostensibly healthy population. It had not been previously curated by ICSL or reported in the Human Gene Mutation Database (HGMD: prior to June 1st, 2018), and was therefore a candidate for classification through an automated scoring system. Utilizing variant allele frequency, disease prevalence and penetrance estimates, and inheritance mode, an automated score was calculated to assess if this variant is too frequent to cause the disease. Based on the score and internal cut-off values, a variant classified as benign is not then subjected to further curation. The score for this variant resulted in a classification of benign for this disease.

Illumina Laboratory Services, Illumina
Classification: Benign for Wilms tumor, aniridia, genitourinary anomalies, and mental retardation syndrome. Last evaluated: 2018-01-13. Review status: criteria provided, single submitter. Criteria: ICSL Variant Classification Criteria 13 December 2019. Collection method: clinical testing. Allele origin: germline.
Comment: the same text as in the submission from Illumina Laboratory Services, Illumina above.

Illumina Laboratory Services, Illumina
Classification: Benign for Autosomal dominant keratitis. Last evaluated: 2018-01-13. Review status: criteria provided, single submitter. Criteria: ICSL Variant Classification Criteria 13 December 2019. Collection method: clinical testing. Allele origin: germline.
Comment: the same text as in the submission from Illumina Laboratory Services, Illumina above.

Illumina Laboratory Services, Illumina
Classification: Benign for Aniridia 1. Last evaluated: 2018-01-13. Review status: criteria provided, single submitter. Criteria: ICSL Variant Classification Criteria 13 December 2019. Collection method: clinical testing. Allele origin: germline.
Comment: the same text as in the submission from Illumina Laboratory Services, Illumina above.

Illumina Laboratory Services, Illumina
Classification: Benign for Foveal hypoplasia 1. Last evaluated: 2018-01-13. Review status: criteria provided, single submitter. Criteria: ICSL Variant Classification Criteria 13 December 2019. Collection method: clinical testing. Allele origin: germline.
Comment: the same text as in the submission from Illumina Laboratory Services, Illumina above.

Illumina Laboratory Services, Illumina
Classification: Benign for Anophthalmia-microphthalmia syndrome. Last evaluated: 2018-01-13. Review status: criteria provided, single submitter. Criteria: ICSL Variant Classification Criteria 13 December 2019. Collection method: clinical testing. Allele origin: germline.
Comment: the same text as in the submission from Illumina Laboratory Services, Illumina above.

Breakthrough Genomics
Classification: Benign. Review status: criteria provided, single submitter. Criteria: ACMG Guidelines, 2015. Collection method: not provided. Allele origin: germline. Inheritance: Autosomal dominant inheritance. Affected: yes.

NM_000280.4(PAX6):c.*2160G>A

Genes: ELP4 (elongator acetyltransferase complex subunit 4; plus strand), PAX6 (paired box 6; minus strand). Cytogenetic location: 11p13.
Variant type: single nucleotide variant.
Coding change: c.*2160G>A on transcript NM_000280.4; 2160 bases downstream of the stop codon, G replaced by A.
Molecular consequence: 3 prime UTR variant (on NM_019040.5).
Genome position (GRCh38, 1-based): chr11:31,787,774, C>T on the plus strand (G>A on the coding strand, the complement: PAX6 is on the minus strand). VCF-style: chr11-31787774-C-T. GRCh37 (hg19) VCF-style: chr11-31809322-C-T.
Other names: c.*4236C>T (NM_001288725.2); c.*4345C>T (NM_001288726.2); c.*4250C>T (NM_019040.5).
Identifiers: ClinVar variation 304334 (VCV000304334.11), dbSNP rs12421026, ClinGen allele CA10638906.
Genomic context (GRCh38, chr11:31,787,774, plus strand): 5'-GAAGGTGTCTCCAAATGTGCAGCAACTCTGGTGGAATAAAATTATTAGTATATTTCATGC[C>T]GGAGCAATGAATCTCAATTATCTGTTCACAAGTAATTCCTTAACTAAAAAACAGTAGATA-3'